The following is an entry in ClinVar:

NM_000093.5(COL5A1):c.1075G>T (p.Glu359Ter)

Gene: COL5A1 (collagen type V alpha 1 chain; plus strand). Cytogenetic location: 9q34.3.
Variant type: single nucleotide variant.
Coding change: c.1075G>T on transcript NM_000093.5 (MANE Select); coding-DNA position 1075, G replaced by T.
Protein change: p.Glu359Ter; replaces glutamic acid 359 with a stop codon.
Molecular consequence: nonsense.
Genome position (GRCh38, 1-based): chr9:134,730,386, G>T. VCF-style: chr9-134730386-G-T. GRCh37 (hg19) VCF-style: chr9-137622232-G-T.
Other names: c.1075G>T, p.Glu359Ter (NM_001278074.1); short protein forms E359*.
Identifiers: ClinVar variation 409086 (VCV000409086.10), dbSNP rs769752636, ClinGen allele CA16612607.

ClinVar aggregate classification (germline): Pathogenic (1 of 4 stars; one submission).

Conditions:
Ehlers-Danlos syndrome, classic type, 1 (EDSCL1). Also called: EHLERS-DANLOS SYNDROME, GRAVIS TYPE; EHLERS-DANLOS SYNDROME, SEVERE CLASSIC TYPE; Ehlers-Danlos Syndrome, Classic Type, COL5A1-Related; EDS I; Ehlers-Danlos syndrome, type 1. Identifiers: MedGen C0268335, MONDO:0019567, OMIM 130000.

Submission:

Labcorp Genetics (formerly Invitae), Labcorp
Classification: Pathogenic for Ehlers-Danlos syndrome, classic type, 1. Last evaluated: 2022-03-31. Review status: criteria provided, single submitter. Criteria: Invitae Variant Classification Sherloc (09022015). Collection method: clinical testing. Allele origin: germline.
Comment: For these reasons, this variant has been classified as Pathogenic. ClinVar contains an entry for this variant (Variation ID: 409086). This variant has not been reported in the literature in individuals affected with COL5A1-related conditions. This variant is not present in population databases (gnomAD no frequency). This sequence change creates a premature translational stop signal (p.Glu359*) in the COL5A1 gene. It is expected to result in an absent or disrupted protein product. Loss-of-function variants in COL5A1 are known to be pathogenic (PMID: 23587214).

Literature cited by the submitters: PubMed 23587214.